The following is an entry in ClinVar:

NM_178138.6(LHX3):c.606+2T>C

Gene: LHX3 (LIM homeobox 3; minus strand). Cytogenetic location: 9q34.3.
Variant type: single nucleotide variant.
Coding change: c.606+2T>C on transcript NM_178138.6 (MANE Select); the canonical splice donor site of the intron after coding-DNA position 606, T replaced by C.
Molecular consequence: splice donor variant.
Genome position (GRCh38, 1-based): chr9:136,198,906, A>G on the plus strand (T>C on the coding strand, the complement: LHX3 is on the minus strand). VCF-style: chr9-136198906-A-G. GRCh37 (hg19) VCF-style: chr9-139090752-A-G.
Other names: c.621+2T>C (NM_014564.5); c.573+2T>C (NM_001363746.1).
Identifiers: ClinVar variation 2089465 (VCV002089465.4), dbSNP rs2490910176, ClinGen allele CA375519538.

ClinVar aggregate classification (germline): Likely pathogenic (1 of 4 stars; one submission).

Submission:

Labcorp Genetics (formerly Invitae), Labcorp
Classification: Likely pathogenic. Last evaluated: 2022-01-26. Review status: criteria provided, single submitter. Criteria: Invitae Variant Classification Sherloc (09022015). Collection method: clinical testing. Allele origin: germline.
Comment: In summary, the currently available evidence indicates that the variant is pathogenic, but additional data are needed to prove that conclusively. Therefore, this variant has been classified as Likely Pathogenic. This sequence change affects a donor splice site in intron 4 of the LHX3 gene. It is expected to disrupt RNA splicing. Variants that disrupt the donor or acceptor splice site typically lead to a loss of protein function (PMID: 16199547), and loss-of-function variants in LHX3 are known to be pathogenic (PMID: 16394081, 18407919). This variant is not present in population databases (gnomAD no frequency). This variant has not been reported in the literature in individuals affected with LHX3-related conditions.

Literature cited by the submitters: PubMed 16199547; PubMed 16394081; PubMed 18407919.